The following is an entry in ClinVar:

ClinVar aggregate classification (germline): Benign/Likely benign. Review status: criteria provided, multiple submitters, no conflicts (2 of 4 stars). 2 submissions from 2 submitters: Benign (1); Likely benign (1). Last evaluated 2025-12-01.

Allele frequency attached by ClinVar (database versions not stated): gnomAD exomes 0.00012 and 0.00050; gnomAD 0.00022 and 0.00031; TOPMed 0.00025; ExAC 0.00103; 1000 Genomes Project 0.00220; 1000 Genomes Project 30x 0.00234.
gnomAD v4.1: 230 of 1,449,488 alleles (0.016%); highest among the groups gnomAD compares: East Asian, 0.45%; 2 homozygotes.

Submissions (2):

CeGaT Center for Human Genetics Tuebingen
Classification: Likely benign. Last evaluated: 2025-12-01. Review status: criteria provided, single submitter. Criteria: CeGaT Center For Human Genetics Tuebingen Variant Classification Criteria Version 2. Collection method: clinical testing. Allele origin: germline. Affected: yes. Observed: 2 variant alleles.
Comment: ADGRL1: BS1

Labcorp Genetics (formerly Invitae), Labcorp
Classification: Benign. Last evaluated: 2017-06-19. Review status: criteria provided, single submitter. Criteria: Invitae Variant Classification Sherloc (09022015). Collection method: clinical testing. Allele origin: germline.

NM_014921.5(ADGRL1):c.1258A>T (p.Thr420Ser)

Genes: ADGRL1 (adhesion G protein-coupled receptor L1; minus strand), ADGRL1-AS1 (ADGRL1 antisense RNA 1; plus strand). Cytogenetic location: 19p13.12.
Variant type: single nucleotide variant.
Coding change: c.1258A>T on transcript NM_014921.5 (MANE Select); coding-DNA position 1258, A replaced by T.
Protein change: p.Thr420Ser; replaces threonine 420 with serine.
Molecular consequence: missense variant.
Genome position (GRCh38, 1-based): chr19:14,161,564, T>A on the plus strand (A>T on the coding strand, the complement: ADGRL1 is on the minus strand). VCF-style: chr19-14161564-T-A. GRCh37 (hg19) VCF-style: chr19-14272376-T-A.
Other names: c.1273A>T, p.Thr425Ser (NM_001008701.3); short protein forms T420S, T425S.
Identifiers: ClinVar variation 773899 (VCV000773899.9), dbSNP rs200382429, ClinGen allele CA9250744.